The following is an entry in ClinVar:

NM_002907.4(RECQL):c.386G>A (p.Cys129Tyr)

Gene: RECQL (RecQ like helicase; minus strand). Cytogenetic location: 12p12.1.
Variant type: single nucleotide variant.
Coding change: c.386G>A on transcript NM_002907.4 (MANE Select); coding-DNA position 386, G replaced by A.
Protein change: p.Cys129Tyr; replaces cysteine 129 with tyrosine.
Molecular consequence: missense variant.
Genome position (GRCh38, 1-based): chr12:21,490,207, C>T on the plus strand (G>A on the coding strand, the complement: RECQL is on the minus strand). VCF-style: chr12-21490207-C-T. GRCh37 (hg19) VCF-style: chr12-21643141-C-T.
Other names: c.386G>A, p.Cys129Tyr (NM_032941.3); short protein forms C129Y.
Identifiers: ClinVar variation 584822 (VCV000584822.17), dbSNP rs187203579, ClinGen allele CA6479119.
Genomic context (GRCh38, chr12:21,490,207, plus strand): 5'-GTATGATGACAAAGCACTTCTTCAACTCAAAATTAATTTTTTTAGTACATACCATCTGAA[C>T]ATAATGCTGGTAACTGGTAACATAAGCTCTTTCCACCTCCTGTAGGCATAACAAGAAATA-3'
Protein context (NP_002898.2, residues 119-139): KSLCYQLPAL[Cys129Tyr]SDGFTLVICP

ClinVar aggregate classification (germline): Conflicting classifications of pathogenicity. Review status: criteria provided, conflicting classifications (1 of 4 stars). 5 submissions from 5 submitters: Uncertain significance (3); Likely benign (2). Last evaluated 2026-01-30.

Conditions:
Hereditary cancer. Identifiers: MedGen C1333600.

Allele frequency attached by ClinVar (database versions not stated): ExAC 0.00006; gnomAD 0.00007 and 0.00008; gnomAD exomes 0.00007 and 0.00008; ESP Exome Variant Server 0.00008; TOPMed 0.00009; 1000 Genomes Project 0.00020; 1000 Genomes Project 30x 0.00031.

Submissions (5):

Labcorp Genetics (formerly Invitae), Labcorp
Classification: Uncertain significance. Last evaluated: 2026-01-30. Review status: criteria provided, single submitter. Criteria: Invitae Variant Classification Sherloc (09022015). Collection method: clinical testing. Allele origin: germline.
Comment: This sequence change replaces cysteine, which is neutral and slightly polar, with tyrosine, which is neutral and polar, at codon 129 of the RECQL protein (p.Cys129Tyr). This variant is present in population databases (rs187203579, gnomAD 0.01%). This missense change has been observed in individual(s) with breast and/or ovarian cancer (PMID: 25915596, 29351780, 32546565, 35264596). ClinVar contains an entry for this variant (Variation ID: 584822). Invitae Evidence Modeling of protein sequence and biophysical properties (such as structural, functional, and spatial information, amino acid conservation, physicochemical variation, residue mobility, and thermodynamic stability) indicates that this missense variant is not expected to disrupt RECQL protein function with a negative predictive value of 80%. In summary, the available evidence is currently insufficient to determine the role of this variant in disease. Therefore, it has been classified as a Variant of Uncertain Significance.

Quest Diagnostics Nichols Institute San Juan Capistrano
Classification: Uncertain significance. Last evaluated: 2024-05-03. Review status: criteria provided, single submitter. Criteria: Quest Diagnostics criteria. Collection method: clinical testing. Allele origin: unknown.
Comment: The RECQL c.386G>A (p.Cys129Tyr) variant has been reported in individuals with breast cancer (PMID: 35264596 (2022), 33471991 (2021), 25915596 (2015) and ovarian cancer (PMID: 32546565 (2021)). This variant has also been identified in reportedly healthy individuals (PMID: 32546565 (2021), 33471991 (2021)). The frequency of this variant in the general population, 0.00012 (16/128836 chromosomes (Genome Aggregation Database)), is uninformative in the assessment of its pathogenicity. Analysis of this variant using bioinformatics tools for the prediction of the effect of amino acid changes on protein structure and function yielded predictions that this variant is damaging. Based on the available information, we are unable to determine the clinical significance of this variant.

Mendelics
Classification: Likely benign for Hereditary cancer. Last evaluated: 2024-01-23. Review status: criteria provided, single submitter. Criteria: ACMG Guidelines, 2015. Collection method: clinical testing. Allele origin: unknown.

GeneDx
Classification: Uncertain significance. Last evaluated: 2023-12-28. Review status: criteria provided, single submitter. Criteria: GeneDx Variant Classification Process June 2021. Collection method: clinical testing. Allele origin: germline. Affected: yes.
Comment: Observed in individuals with breast or ovarian cancer (PMID: 25915596, 29351780, 32546565, 35264596); In silico analysis supports that this missense variant does not alter protein structure/function; Variants in candidate genes are classified as variants of uncertain significance in accordance with ACMG guidelines (PMID: 25741868); This variant is associated with the following publications: (PMID: 32546565, 25915596, 29351780, 35264596, 27248010, 19151156)

Ambry Genetics
Classification: Likely benign. Last evaluated: 2020-08-19. Review status: criteria provided, single submitter. Criteria: Ambry Variant Classification Scheme 2023. Collection method: clinical testing. Allele origin: germline.

Literature cited by the submitters: PubMed 25915596 (cited by Labcorp Genetics (formerly Invitae), Labcorp and Quest Diagnostics Nichols Institute San Juan Capistrano); PubMed 29351780 (cited by Labcorp Genetics (formerly Invitae), Labcorp and Quest Diagnostics Nichols Institute San Juan Capistrano); PubMed 32546565 (cited by Labcorp Genetics (formerly Invitae), Labcorp and Quest Diagnostics Nichols Institute San Juan Capistrano); PubMed 35264596 (cited by Labcorp Genetics (formerly Invitae), Labcorp and Quest Diagnostics Nichols Institute San Juan Capistrano); PubMed 33471991 (cited by Quest Diagnostics Nichols Institute San Juan Capistrano).